The following is an entry in ClinVar:

NM_007348.4(ATF6):c.585C>G (p.Asn195Lys)

Gene: ATF6 (activating transcription factor 6; plus strand). Cytogenetic location: 1q23.3.
Variant type: single nucleotide variant.
Coding change: c.585C>G on transcript NM_007348.4 (MANE Select); coding-DNA position 585, C replaced by G.
Protein change: p.Asn195Lys; replaces asparagine 195 with lysine.
Molecular consequence: missense variant.
Genome position (GRCh38, 1-based): chr1:161,792,224, C>G. VCF-style: chr1-161792224-C-G. GRCh37 (hg19) VCF-style: chr1-161762014-C-G.
Other names: c.585C>G (NM_007348.3); short protein forms N195K.
Identifiers: ClinVar variation 1017255 (VCV001017255.7), dbSNP rs759790425, ClinGen allele CA1214243.

ClinVar aggregate classification (germline): Uncertain significance. Review status: criteria provided, multiple submitters, no conflicts (2 of 4 stars). 2 submissions from 2 submitters: Uncertain significance (2). Last evaluated 2025-11-24.

Conditions:
Inborn genetic diseases. Identifiers: MedGen C0950123, MeSH D030342.

Allele frequency attached by ClinVar (database versions not stated): gnomAD exomes below 0.00001; ExAC 0.00001; gnomAD 0.00001; TOPMed 0.00002.
gnomAD v4.1: 21 of 1,614,032 alleles (0.0013%); highest among the groups gnomAD compares: Non-Finnish European, 0.0018%; no homozygotes.

Submissions (2):

Labcorp Genetics (formerly Invitae), Labcorp
Classification: Uncertain significance. Last evaluated: 2025-11-24. Review status: criteria provided, single submitter. Criteria: Invitae Variant Classification Sherloc (09022015). Collection method: clinical testing. Allele origin: germline.
Comment: This sequence change replaces asparagine, which is neutral and polar, with lysine, which is basic and polar, at codon 195 of the ATF6 protein (p.Asn195Lys). This variant is present in population databases (rs759790425, gnomAD 0.0009%). This variant has not been reported in the literature in individuals affected with ATF6-related conditions. ClinVar contains an entry for this variant (Variation ID: 1017255). Invitae Evidence Modeling of protein sequence and biophysical properties (such as structural, functional, and spatial information, amino acid conservation, physicochemical variation, residue mobility, and thermodynamic stability) indicates that this missense variant is not expected to disrupt ATF6 protein function with a negative predictive value of 80%. In summary, the available evidence is currently insufficient to determine the role of this variant in disease. Therefore, it has been classified as a Variant of Uncertain Significance.

Ambry Genetics
Classification: Uncertain significance for Inborn genetic diseases. Last evaluated: 2021-08-02. Review status: criteria provided, single submitter. Criteria: Ambry Variant Classification Scheme 2023. Collection method: clinical testing. Allele origin: germline.